The following is an entry in ClinVar:

ClinVar aggregate classification (germline): Uncertain significance (1 of 4 stars; one submission).

Conditions:
Dyskeratosis congenita. Identifiers: Orphanet 1775, MedGen C0265965, MONDO:0015780.

Submission:

Ambry Genetics
Classification: Uncertain significance for Dyskeratosis congenita. Last evaluated: 2026-04-04. Review status: criteria provided, single submitter. Criteria: Ambry Variant Classification Scheme 2023. Collection method: clinical testing. Allele origin: germline.
Comment: The p.A221S variant (also known as c.661G>T), located in coding exon 2 of the TERT gene, results from a G to T substitution at nucleotide position 661. The alanine at codon 221 is replaced by serine, an amino acid with similar properties. This amino acid position is conserved. In addition, this alteration is predicted to be tolerated by in silico analysis. Based on the available evidence, the clinical significance of this variant remains unclear.

NM_198253.3(TERT):c.661G>T (p.Ala221Ser)

Gene: TERT (telomerase reverse transcriptase; minus strand). Cytogenetic location: 5p15.33.
Variant type: single nucleotide variant.
Coding change: c.661G>T on transcript NM_198253.3 (MANE Select); coding-DNA position 661, G replaced by T.
Protein change: p.Ala221Ser; replaces alanine 221 with serine.
Molecular consequence: missense variant. On other transcripts: non-coding transcript variant (2).
Genome position (GRCh38, 1-based): chr5:1,294,225, C>A on the plus strand (G>T on the coding strand, the complement: TERT is on the minus strand). VCF-style: chr5-1294225-C-A. GRCh37 (hg19) VCF-style: chr5-1294340-C-A.
Other names: c.661G>T, p.Ala221Ser (NM_001193376.3); short protein forms A221S.
Identifiers: ClinVar variation 4865460 (VCV004865460.1).